The following continues an entry in ClinVar:

NM_000059.4(BRCA2):c.8377G>A (p.Gly2793Arg)

Gene: BRCA2. ClinVar aggregate classification (germline): Pathogenic/Likely pathogenic. Pathogenic (13); Likely pathogenic (3).

Submissions 8 to 21 of 21:

All of Us Research Program, National Institutes of Health
Classification: Pathogenic for BRCA2-related cancer predisposition. Last evaluated: 2024-09-09. Review status: criteria provided, single submitter. Criteria: ACMG Guidelines, 2015. Collection method: clinical testing. Allele origin: germline. Inheritance: Autosomal dominant inheritance. Observed: 2 variant alleles, 2 heterozygotes.
Comment: The c.8377G>A variant in the BRCA2 gene is located on the exon 19 and replaces glycine with arginine at codon 2793 (p.Gly2793Arg). This variant is located in the critical DNA binding domain of the BRCA2 protein (amino acids 2481-3186). This variant has been identified in multiple individuals with breast and/or ovarian cancer (PMID: 31853058, 25777348, 30630528, 12442275). Experimental homology directed repair (HDR) activity assays have proved the negative functional impact of this variant (PMID: 23108138, 33293522, 33609447). An alternative variant disrupting the same amino acid (p.Gly2793Glu) has been interpreted as likely pathogenic (ClinVar ID: 38157). This variant has been reported in ClinVar and classified as pathogenic/likely pathogenic by multiple submitters (ID: 52569). The variant is rare in general population according to gnomAD v4.1 (2/1613808 chromosomes). Computational prediction algorithms suggest a deleterious impact for this variant (REVEL score 0.92). Therefore, the c.8377G>A (p.Gly2793Arg) variant in the BRCA2 gene has been classified as pathogenic.

This study involves interpretation of variants in research participants for the purpose of population health screening. Participant phenotype was not available at the time of variant classification. Additional details can be found in publication PMID: 35346344, PMCID: PMC8962531

Baylor Genetics
Classification: Pathogenic for Familial cancer of breast. Last evaluated: 2024-03-27. Review status: criteria provided, single submitter. Criteria: ACMG Guidelines, 2015. Collection method: clinical testing. Allele origin: unknown.

GeneDx
Classification: Pathogenic. Last evaluated: 2023-11-14. Review status: criteria provided, single submitter. Criteria: GeneDx Variant Classification Process June 2021. Collection method: clinical testing. Allele origin: germline. Affected: yes.
Comment: Published functional studies demonstrate a damaging effect: significantly reduced homologous recombination DNA-repair activity and inability to rescue cell lethality in an embryonic stem cell assay (PMID: 23108138, 29394989, 29884841, 33293522, 33609447, 35736817, 35665744); Not observed at significant frequency in large population cohorts (gnomAD); In silico analysis supports that this missense variant has a deleterious effect on protein structure/function; Also known as 8605G>A; This variant is associated with the following publications: (PMID: 15889636, 29446198, 24323938, 25085752, 23233716, 19043619, 25777348, 16030099, 12442275, 29394989, 29997359, 28127413, 29922827, 30630528, 31331294, 30728895, 30264118, 26580448, 33293522, 29884841, 33609447, 23108138, 30787465, 12228710, 35665744, 35736817)

Women's Health and Genetics/Laboratory Corporation of America, LabCorp
Classification: Pathogenic for Hereditary breast and ovarian cancer syndrome. Last evaluated: 2020-11-16. Review status: criteria provided, single submitter. Criteria: LabCorp Variant Classification Summary - May 2015. Collection method: clinical testing. Allele origin: germline.
Comment: Variant summary: BRCA2 c.8377G>A (p.Gly2793Arg) results in a non-conservative amino acid change located in the BRCA2, OB1 domain (IPR015187) of the encoded protein sequence. Five of five in-silico tools predict a damaging effect of the variant on protein function. The variant allele was found at a frequency of 8e-06 in 251552 control chromosomes. c.8377G>A has been reported in the literature in multiple individuals affected with Hereditary Breast And Ovarian Cancer Syndrome (example, Rebbeck_2018, Calderon-Garciduenas_2005, Ruiz-Flores_2002, Weitzel_2013, ElSaghir_2015). These data indicate that the variant is very likely to be associated with disease. Several publications report experimental evidence evaluating an impact on protein function. The most pronounced variant effect results in impaired HDR (homology directed repair) activity (example, Guidugli_2013). Nine clinical diagnostic laboratories have submitted clinical-significance assessments for this variant to ClinVar after 2014 without evidence for independent evaluation. All laboratories classified the variant as pathogenic (n=7)/likely pathogenic(n=2). Based on the evidence outlined above, the variant was classified as pathogenic.

GeneKor MSA
Classification: Likely pathogenic. Last evaluated: 2020-01-01. Review status: criteria provided, single submitter. Criteria: ACMG Guidelines, 2015. Collection method: clinical testing. Allele origin: germline.
Comment: This sequence change replaces Glycine for Arginine at codon 2793 of the BRCA2 protein. The glycine residue is highly conserved in a functional domain of the protein and there is a big physiochemical difference between glycine and arginine. This variant has been observed in 4 families affected with breast and/or ovarian cancer. Algorithms developed to predict the effect of missense changes on protein structure and functions suggest that this variant is likely to be detrimental to protein function. Experimental studies have shown that this missense change results in homology-directed repair activity comparable to known pathogenic mutations.

Mayo Clinic Laboratories, Mayo Clinic
Classification: Pathogenic. Last evaluated: 2019-11-03. Review status: criteria provided, single submitter. Criteria: ACMG Guidelines, 2015. Collection method: clinical testing. Allele origin: germline. Observed: 1 variant allele.
Comment: PS3, PS4_Mod, PM2, PP3, PP5

Cancer Variant Interpretation Group UK, Institute of Cancer Research, London
Classification: Likely pathogenic for Hereditary Breast and Ovarian Cancer. Last evaluated: 2018-10-09. Review status: criteria provided, single submitter. Criteria: ACMG Guidelines, 2015. Collection method: curation. Allele origin: germline.
Comment: Data used in classification: This variant is predicted deleterious on AlignGVGD (class: C65), SIFT (Deleterious), Polyphen2 HumVar (probably damaging) and CADD (31) (PP3_sup). The variant is in the DNA-binding domain of BRCA2 (PM1_sup). In the BRCA2 Homology-Directed Repair Activity assay for the DNA Binding Domain (Guidugli et al Cancer Res 2013;73:265-275,Couch Lab), the variant has a probability of pathogenicity of 1.0 (PS3_strong). This variant is classified as pathogenic by 8 submitters on ClinVar, including accredited USA laboratories GeneDx (2017) and Ambry Genetics (2016) (PP5_sup). This variant is at the same codon as a variant classified by CanVIG-UK as Pathogenic (c.8377G>A p.Gly2793Glu). (PP5_mod). Data not used in classification: The frequency of this variant is 2/123,101 individuals (the GNOMAD population). There are additional reports of this variant in BIC(4), and BRCA2 LOVD(1).

Institute for Biomarker Research, Medical Diagnostic Laboratories, L.L.C.
Classification: Pathogenic for Hereditary cancer-predisposing syndrome. Last evaluated: 2017-07-12. Review status: criteria provided, single submitter. Criteria: ACMG Guidelines, 2015. Collection method: clinical testing. Allele origin: germline.

Consortium of Investigators of Modifiers of BRCA1/2 (CIMBA), c/o University of Cambridge
Classification: Pathogenic for Breast-ovarian cancer, familial, susceptibility to, 2. Last evaluated: 2015-10-02. Review status: criteria provided, single submitter. Criteria: CIMBA Mutation Classification guidelines May 2016. Collection method: clinical testing. Allele origin: germline.

BRCAlab, Lund University
Classification: Likely pathogenic for Breast-ovarian cancer, familial, susceptibility to, 2. Last evaluated: 2020-03-02. Review status: no assertion criteria provided. Collection method: clinical testing. Allele origin: germline. Affected: yes. Not counted in ClinVar's aggregate classification.

Counsyl
Classification: Likely pathogenic for Breast-ovarian cancer, familial, susceptibility to, 2. Last evaluated: 2015-07-31. Review status: no assertion criteria provided. Collection method: clinical testing. Allele origin: unknown. Not counted in ClinVar's aggregate classification.

Research Molecular Genetics Laboratory, Women's College Hospital, University of Toronto
Classification: Uncertain significance. Last evaluated: 2014-01-31. Review status: no assertion criteria provided. Collection method: research. Allele origin: germline. Affected: yes. Study: The Canadian Open Genetics Repository (COGR). Not counted in ClinVar's aggregate classification.

Sharing Clinical Reports Project (SCRP)
Classification: Pathogenic for Breast-ovarian cancer, familial 2. Last evaluated: 2012-08-02. Review status: no assertion criteria provided. Collection method: clinical testing. Allele origin: germline. Not counted in ClinVar's aggregate classification.

Breast Cancer Information Core (BIC) (BRCA2)
Classification: Uncertain significance for Breast-ovarian cancer, familial 2. Last evaluated: 2002-05-29. Review status: no assertion criteria provided. Collection method: clinical testing. Allele origin: germline. Affected: yes. Observed: 4 variant alleles. Not counted in ClinVar's aggregate classification.

Literature cited by the submitters: PubMed 12442275 (cited by 8 submitters); PubMed 16030099 (cited by 4 submitters); PubMed 19043619 (cited by 4 submitters); PubMed 23108138 (cited by 10 submitters); PubMed 23233716 (cited by 8 submitters); PubMed 25777348 (cited by 8 submitters); PubMed 29394989 (cited by 4 submitters); PubMed 29446198 (cited by Ambry Genetics and Women's Health and Genetics/Laboratory Corporation of America, LabCorp); PubMed 30630528 (cited by 4 submitters); PubMed 31331294 (cited by 3 submitters); PubMed 15889636 (cited by 4 submitters); PubMed 33609447 (cited by 4 submitters); PubMed 25085752 (cited by Quest Diagnostics Nichols Institute San Juan Capistrano and Mayo Clinic Laboratories, Mayo Clinic); PubMed 35736817 (cited by Quest Diagnostics Nichols Institute San Juan Capistrano and Color Diagnostics, LLC DBA Color Health); PubMed 36833268 (cited by Quest Diagnostics Nichols Institute San Juan Capistrano); PubMed 32123317 (cited by 3billion); PubMed 31853058 (cited by Color Diagnostics, LLC DBA Color Health and All of Us Research Program, National Institutes of Health); PubMed 33293522 (cited by Color Diagnostics, LLC DBA Color Health and All of Us Research Program, National Institutes of Health); PubMed 22632462 (cited by Women's Health and Genetics/Laboratory Corporation of America, LabCorp).